The following is an entry in ClinVar:

ClinVar aggregate classification (germline): Uncertain significance (1 of 4 stars; one submission).

Conditions:
Developmental and epileptic encephalopathy, 46 (DEE46). Also called: Epileptic encephalopathy, early infantile, 46; GRIN2D-Related Developmental and Epileptic Encephalopathy. Identifiers: MedGen C4310687, MONDO:0014947, OMIM 617162.

gnomAD v4.1: 2 of 1,353,174 alleles (0.00015%); highest among the groups gnomAD compares: South Asian, 0.0034%; no homozygotes.

Submission:

Neuberg Centre For Genomic Medicine, NCGM
Classification: Uncertain significance for Developmental and epileptic encephalopathy, 46. Last evaluated: 2023-06-22. Review status: criteria provided, single submitter. Criteria: ACMG Guidelines, 2015. Collection method: clinical testing. Allele origin: germline. Inheritance: Autosomal dominant inheritance. Affected: yes.
Comment: The observed missense variant c.3581A>C(p.His1194Pro) in GRIN2D gene has not been reported previously as a pathogenic variant nor as a benign variant, to our knowledge. This variant is absent in gnomAD Exomes. The amino acid His at position 1194 is changed to a Pro changing protein sequence and it might alter its composition and physico-chemical properties. Computational evidence (Polyphen-possibly damaging, SIFT-damaging and MutationTaster-polymorphic automatic) predicts conflicting evidence on protein structure and function for this variant. The reference amino acid p.His1194Pro in GRIN2D is predicted as conserved by GERP++ and PhyloP across 100 vertebrates. For these reasons, this variant has been classified as Uncertain Significance.

NM_000836.4(GRIN2D):c.3581A>C (p.His1194Pro)

Gene: GRIN2D (glutamate ionotropic receptor NMDA type subunit 2D; plus strand). Cytogenetic location: 19q13.33.
Variant type: single nucleotide variant.
Coding change: c.3581A>C on transcript NM_000836.4 (MANE Select); coding-DNA position 3581, A replaced by C.
Protein change: p.His1194Pro; replaces histidine 1194 with proline.
Molecular consequence: missense variant.
Genome position (GRCh38, 1-based): chr19:48,443,507, A>C. VCF-style: chr19-48443507-A-C. GRCh37 (hg19) VCF-style: chr19-48946764-A-C.
Other names: short protein forms H1194P.
Identifiers: ClinVar variation 3731438 (VCV003731438.1).
Genomic context (GRCh38, chr19:48,443,507, plus strand): 5'-GTCCGGCCGCCTGGCACTGTCGGCACTGCGCCAGCCTGGAGCTGCTGCCGCCGCCGCGCC[A>C]TCTCAGCTGCTCGCACGATGGCCTGGACGGCGGCTGGTGGGCGCCACCGCCTCCACCCTG-3'
Protein context (NP_000827.2, residues 1184-1204): ASLELLPPPR[His1194Pro]LSCSHDGLDG